The following is an entry in ClinVar:

ClinVar aggregate classification (germline): Likely benign (1 of 4 stars; one submission).

Conditions:
DNAH6-related disorder. Also called: DNAH6-related condition.

gnomAD v4.1: 98 of 1,544,556 alleles (0.0063%); highest among the groups gnomAD compares: African/African-American, 0.13%; no homozygotes.

Submission:

PreventionGenetics, part of Exact Sciences
Classification: Likely benign for DNAH6-related condition. Last evaluated: 2025-04-02. Review status: criteria provided, single submitter. Criteria: ACMG Guidelines, 2015. Collection method: clinical testing. Allele origin: germline.
Comment: This variant is classified as likely benign based on ACMG/AMP sequence variant interpretation guidelines (Richards et al. 2015 PMID: 25741868, with internal and published modifications).

NM_001370.2(DNAH6):c.6455-4C>T

Gene: DNAH6 (dynein axonemal heavy chain 6; plus strand). Cytogenetic location: 2p11.2.
Variant type: single nucleotide variant.
Coding change: c.6455-4C>T on transcript NM_001370.2 (MANE Select); 4 bases into the intron before coding-DNA position 6455, C replaced by T.
Molecular consequence: intron variant.
Genome position (GRCh38, 1-based): chr2:84,672,323, C>T. VCF-style: chr2-84672323-C-T. GRCh37 (hg19) VCF-style: chr2-84899447-C-T.
Identifiers: ClinVar variation 4983838 (VCV004983838.1).